The following is an entry in ClinVar:

ClinVar aggregate classification (germline): Conflicting classifications of pathogenicity. Review status: criteria provided, conflicting classifications (1 of 4 stars). 3 submissions from 3 submitters: Uncertain significance (1); Likely benign (2). Last evaluated 2025-06-27.

Conditions:
TNC-related disorder. Also called: TNC-related condition.

Allele frequency attached by ClinVar (database versions not stated): gnomAD exomes 0.00002 and 0.00007; ExAC 0.00009; gnomAD 0.00014 and 0.00019; TOPMed 0.00027; ESP Exome Variant Server 0.00038; 1000 Genomes Project 30x 0.00062; 1000 Genomes Project 0.00080.
gnomAD v4.1: 67 of 1,614,142 alleles (0.0042%); highest among the groups gnomAD compares: African/African-American, 0.084%; 1 homozygote.

Submissions (3):

PreventionGenetics, part of Exact Sciences
Classification: Likely benign for TNC-related condition. Last evaluated: 2025-06-27. Review status: criteria provided, single submitter. Criteria: ACMG Guidelines, 2015. Collection method: clinical testing. Allele origin: germline.
Comment: This variant is classified as likely benign based on ACMG/AMP sequence variant interpretation guidelines (Richards et al. 2015 PMID: 25741868, with internal and published modifications).

Ambry Genetics
Classification: Uncertain significance. Last evaluated: 2024-01-23. Review status: criteria provided, single submitter. Criteria: Ambry Variant Classification Scheme 2023. Collection method: clinical testing. Allele origin: germline.

GeneDx
Classification: Likely benign. Last evaluated: 2020-09-28. Review status: criteria provided, single submitter. Criteria: GeneDx Variant Classification Process June 2021. Collection method: clinical testing. Allele origin: germline. Affected: yes.

NM_002160.4(TNC):c.109G>A (p.Val37Met)

Gene: TNC (tenascin C; minus strand). Cytogenetic location: 9q33.1.
Variant type: single nucleotide variant.
Coding change: c.109G>A on transcript NM_002160.4 (MANE Select); coding-DNA position 109, G replaced by A.
Protein change: p.Val37Met; replaces valine 37 with methionine.
Molecular consequence: missense variant.
Genome position (GRCh38, 1-based): chr9:115,090,910, C>T on the plus strand (G>A on the coding strand, the complement: TNC is on the minus strand). VCF-style: chr9-115090910-C-T. GRCh37 (hg19) VCF-style: chr9-117853189-C-T.
Other names: short protein forms V37M.
Identifiers: ClinVar variation 1317958 (VCV001317958.4), dbSNP rs139580620, ClinGen allele CA5209137.